The following is an entry in ClinVar:

ClinVar aggregate classification (germline): Uncertain significance. Review status: criteria provided, multiple submitters, no conflicts (2 of 4 stars). 2 submissions from 2 submitters: Uncertain significance (2). Last evaluated 2022-03-14.

Conditions:
Primary ciliary dyskinesia. Also called: Ciliary dyskinesia. Identifiers: Orphanet 244, MedGen C0008780, MONDO:0016575, HP:0012265.

Allele frequency attached by ClinVar (database versions not stated): gnomAD 0.00001; gnomAD exomes 0.00001.
gnomAD v4.1: 5 of 1,612,212 alleles (0.00031%); highest among the groups gnomAD compares: African/African-American, 0.0013%; no homozygotes.

Submissions (2):

Labcorp Genetics (formerly Invitae), Labcorp
Classification: Uncertain significance for Primary ciliary dyskinesia. Last evaluated: 2022-03-14. Review status: criteria provided, single submitter. Criteria: Invitae Variant Classification Sherloc (09022015). Collection method: clinical testing. Allele origin: germline.
Comment: In summary, the available evidence is currently insufficient to determine the role of this variant in disease. Therefore, it has been classified as a Variant of Uncertain Significance. Algorithms developed to predict the effect of missense changes on protein structure and function are either unavailable or do not agree on the potential impact of this missense change (SIFT: "Tolerated"; PolyPhen-2: "Probably Damaging"; Align-GVGD: "Class C0"). This variant has not been reported in the literature in individuals affected with RSPH4A-related conditions. This variant is present in population databases (no rsID available, gnomAD 0.0009%). This sequence change replaces glutamic acid, which is acidic and polar, with lysine, which is basic and polar, at codon 569 of the RSPH4A protein (p.Glu569Lys).

Ambry Genetics
Classification: Uncertain significance for Primary ciliary dyskinesia. Last evaluated: 2015-01-16. Review status: criteria provided, single submitter. Criteria: Ambry Variant Classification Scheme 2023. Collection method: clinical testing. Allele origin: germline.
Comment: The p.E569K variant (also known as c.1705G>A), located in coding exon 4 of the RSPH4A gene, results from a G to A substitution at nucleotide position 1705. The glutamic acid at codon 569 is replaced by lysine, an amino acid with some similar properties. This variant was not reported in population based cohorts in the following databases: Database of Single Nucleotide Polymorphisms (dbSNP), NHLBI Exome Sequencing Project (ESP), and 1000 Genomes Project. In the ESP, this variant was not observed in 6503 samples (13006 alleles) with coverage at this position. This amino acid position is well conserved in available vertebrate species. In addition, this alteration is predicted to be tolerated by in silico analysis. Since supporting evidence is limited at this time, the clinical significance of this variant remains unclear.

NM_001010892.3(RSPH4A):c.1705G>A (p.Glu569Lys)

Gene: RSPH4A (radial spoke head component 4A; plus strand). Cytogenetic location: 6q22.1.
Variant type: single nucleotide variant.
Coding change: c.1705G>A on transcript NM_001010892.3 (MANE Select); coding-DNA position 1705, G replaced by A.
Protein change: p.Glu569Lys; replaces glutamic acid 569 with lysine.
Molecular consequence: missense variant. On other transcripts: intron variant (1).
Genome position (GRCh38, 1-based): chr6:116,629,609, G>A. VCF-style: chr6-116629609-G-A. GRCh37 (hg19) VCF-style: chr6-116950772-G-A.
Other names: c.1663-826G>A (NM_001161664.2); short protein forms E569K.
Identifiers: ClinVar variation 1778430 (VCV001778430.6), dbSNP rs1391501802, ClinGen allele CA365408785.